The following is an entry in ClinVar:

NM_012254.3(SLC27A5):c.101G>A (p.Arg34His)

Gene: SLC27A5 (solute carrier family 27 member 5; minus strand). Cytogenetic location: 19q13.43.
Variant type: single nucleotide variant.
Coding change: c.101G>A on transcript NM_012254.3 (MANE Select); coding-DNA position 101, G replaced by A.
Protein change: p.Arg34His; replaces arginine 34 with histidine.
Molecular consequence: missense variant.
Genome position (GRCh38, 1-based): chr19:58,511,855, C>T on the plus strand (G>A on the coding strand, the complement: SLC27A5 is on the minus strand). VCF-style: chr19-58511855-C-T. GRCh37 (hg19) VCF-style: chr19-59023222-C-T.
Other names: c.101G>A, p.Arg34His (NM_001321196.2); short protein forms R34H.
Identifiers: ClinVar variation 3443699 (VCV003443699.2).

ClinVar aggregate classification (germline): Uncertain significance. Review status: criteria provided, multiple submitters, no conflicts (2 of 4 stars). 2 submissions from 2 submitters: Uncertain significance (2). Last evaluated 2025-11-19.

Conditions:
SLC27A5-related disorder. Also called: SLC27A5-related condition.

gnomAD v4.1: 20 of 1,558,068 alleles (0.0013%); highest among the groups gnomAD compares: East Asian, 0.0024%; no homozygotes.

Submissions (2):

PreventionGenetics, part of Exact Sciences
Classification: Uncertain significance for SLC27A5-related condition. Last evaluated: 2025-11-19. Review status: criteria provided, single submitter. Criteria: ACMG Guidelines, 2015. Collection method: clinical testing. Allele origin: germline.
Comment: The SLC27A5 c.101G>A variant is predicted to result in the amino acid substitution p.Arg34His. To our knowledge, this variant has not been reported in the literature. This variant is reported in 0.0049% of alleles in individuals of European (non-Finnish) descent in gnomAD. At this time, the clinical significance of this variant is uncertain due to the absence of conclusive functional and genetic evidence.

Ambry Genetics
Classification: Uncertain significance. Last evaluated: 2024-08-05. Review status: criteria provided, single submitter. Criteria: Ambry Variant Classification Scheme 2023. Collection method: clinical testing. Allele origin: germline.